The following is an entry in ClinVar:

ClinVar aggregate classification (germline): Uncertain significance (1 of 4 stars; one submission).

gnomAD v4.1: 1 of 1,614,118 alleles (0.000062%); highest among the groups gnomAD compares: Non-Finnish European, 0.000085%; no homozygotes.

Submission:

CeGaT Center for Human Genetics Tuebingen
Classification: Uncertain significance. Last evaluated: 2025-07-01. Review status: criteria provided, single submitter. Criteria: CeGaT Center For Human Genetics Tuebingen Variant Classification Criteria Version 2. Collection method: clinical testing. Allele origin: germline. Affected: yes. Observed: 1 variant allele.
Comment: PROKR2: PM2, PP3

NM_144773.4(PROKR2):c.446T>C (p.Ile149Thr)

Gene: PROKR2 (prokineticin receptor 2; minus strand). Cytogenetic location: 20p12.3.
Variant type: single nucleotide variant.
Coding change: c.446T>C on transcript NM_144773.4 (MANE Select); coding-DNA position 446, T replaced by C.
Protein change: p.Ile149Thr; replaces isoleucine 149 with threonine.
Molecular consequence: missense variant.
Genome position (GRCh38, 1-based): chr20:5,313,924, A>G on the plus strand (T>C on the coding strand, the complement: PROKR2 is on the minus strand). VCF-style: chr20-5313924-A-G. GRCh37 (hg19) VCF-style: chr20-5294570-A-G.
Other names: short protein forms I149T.
Identifiers: ClinVar variation 4085591 (VCV004085591.8).